The following is an entry in ClinVar:

ClinVar aggregate classification (germline): Uncertain significance. Review status: criteria provided, multiple submitters, no conflicts (2 of 4 stars). 3 submissions from 3 submitters: Uncertain significance (3). Last evaluated 2025-11-24.

Conditions:
Familial steroid-resistant nephrotic syndrome with sensorineural deafness. Identifiers: Orphanet 280406, MedGen C3553349, MONDO:0013836, OMIM 614650.
Inborn genetic diseases. Identifiers: MedGen C0950123, MeSH D030342.

gnomAD v4.1: 36 of 1,613,776 alleles (0.0022%); highest among the groups gnomAD compares: East Asian, 0.018%; no homozygotes.

Submissions (3):

Ambry Genetics
Classification: Uncertain significance for Inborn genetic diseases. Last evaluated: 2025-11-24. Review status: criteria provided, single submitter. Criteria: Ambry Variant Classification Scheme 2023. Collection method: clinical testing. Allele origin: germline.

GeneDx
Classification: Uncertain significance. Last evaluated: 2024-09-16. Review status: criteria provided, single submitter. Criteria: GeneDx Variant Classification Process June 2021. Collection method: clinical testing. Allele origin: germline. Affected: yes.
Comment: Not observed at significant frequency in large population cohorts (gnomAD); In silico analysis indicates that this missense variant does not alter protein structure/function; Has not been previously published as pathogenic or benign to our knowledge

Fulgent Genetics
Classification: Uncertain significance for Familial steroid-resistant nephrotic syndrome with sensorineural deafness. Last evaluated: 2024-02-29. Review status: criteria provided, single submitter. Criteria: ACMG Guidelines, 2015. Collection method: clinical testing. Allele origin: germline.

NM_182476.3(COQ6):c.911C>T (p.Thr304Met)

Genes: COQ6 (coenzyme Q6, monooxygenase; plus strand), ENTPD5 (ectonucleoside triphosphate diphosphohydrolase 5; minus strand). Cytogenetic location: 14q24.3.
Variant type: single nucleotide variant.
Coding change: c.911C>T on transcript NM_182476.3 (MANE Select); coding-DNA position 911, C replaced by T.
Protein change: p.Thr304Met; replaces threonine 304 with methionine.
Molecular consequence: missense variant. On other transcripts: 3 prime UTR variant (1), intron variant (5).
Genome position (GRCh38, 1-based): chr14:73,961,192, C>T. VCF-style: chr14-73961192-C-T. GRCh37 (hg19) VCF-style: chr14-74427895-C-T.
Other names: c.911C>T (NM_182476.2); c.911C>T, p.Thr304Met (NM_001425255.1); c.803C>T, p.Thr268Met (NM_001425256.1); c.746C>T, p.Thr249Met (NM_001425257.1); c.728C>T, p.Thr243Met (NM_001425258.1); c.686C>T, p.Thr229Met (NM_001425259.1, NM_001425260.1, NM_001425261.1); c.656C>T, p.Thr219Met (NM_001425262.1); c.584C>T, p.Thr195Met (NM_001425263.1); and 6 more; short protein forms T229M, T268M, T195M, T219M, T243M, T249M, T124M, T279M.
Identifiers: ClinVar variation 3576719 (VCV003576719.2).